The following is an entry in ClinVar:

NM_001999.4(FBN2):c.3322A>G (p.Met1108Val)

Gene: FBN2 (fibrillin 2; minus strand). Cytogenetic location: 5q23.3.
Variant type: single nucleotide variant.
Coding change: c.3322A>G on transcript NM_001999.4 (MANE Select); coding-DNA position 3322, A replaced by G.
Protein change: p.Met1108Val; replaces methionine 1108 with valine.
Molecular consequence: missense variant.
Genome position (GRCh38, 1-based): chr5:128,344,406, T>C on the plus strand (A>G on the coding strand, the complement: FBN2 is on the minus strand). VCF-style: chr5-128344406-T-C. GRCh37 (hg19) VCF-style: chr5-127680098-T-C.
Other names: short protein forms M1108V.
Identifiers: ClinVar variation 861678 (VCV000861678.13), dbSNP rs148127874, ClinGen allele CA3395270.
Genomic context (GRCh38, chr5:128,344,406, plus strand): 5'-AGCCAGAGTTTATCAAATAAAACAGCAGAACCATCTTACCCGTGCAGTTTCTTTCCTCCA[T>C]GTCTAGAGCAAAGCCACTATTGCAACGGCATTTGAAGCTTCCGATTGTATTTCTGCACTT-3'
Protein context (NP_001990.2, residues 1098-1118): CRCNSGFALD[Met1108Val]EERNCTDIDE

ClinVar aggregate classification (germline): Uncertain significance. Review status: criteria provided, multiple submitters, no conflicts (2 of 4 stars). 2 submissions from 2 submitters: Uncertain significance (2). Last evaluated 2025-03-05.

Conditions:
Congenital contractural arachnodactyly (CCA). Also called: BEALS SYNDROME; Beals-Hecht syndrome; Arthrogryposis, distal, type 9. Identifiers: Orphanet 115, MedGen C0220668, MONDO:0007363, OMIM 121050.

Allele frequency attached by ClinVar (database versions not stated): TOPMed 0.00003.

Submissions (2):

Labcorp Genetics (formerly Invitae), Labcorp
Classification: Uncertain significance for Congenital contractural arachnodactyly. Last evaluated: 2025-03-05. Review status: criteria provided, single submitter. Criteria: Invitae Variant Classification Sherloc (09022015). Collection method: clinical testing. Allele origin: germline.
Comment: This sequence change replaces methionine, which is neutral and non-polar, with valine, which is neutral and non-polar, at codon 1108 of the FBN2 protein (p.Met1108Val). This variant is present in population databases (rs148127874, gnomAD 0.003%). This variant has not been reported in the literature in individuals affected with FBN2-related conditions. ClinVar contains an entry for this variant (Variation ID: 861678). Invitae Evidence Modeling of protein sequence and biophysical properties (such as structural, functional, and spatial information, amino acid conservation, physicochemical variation, residue mobility, and thermodynamic stability) indicates that this missense variant is not expected to disrupt FBN2 protein function with a negative predictive value of 80%. In summary, the available evidence is currently insufficient to determine the role of this variant in disease. Therefore, it has been classified as a Variant of Uncertain Significance.

Illumina Laboratory Services, Illumina
Classification: Uncertain significance for Congenital contractural arachnodactyly. Last evaluated: 2018-01-12. Review status: criteria provided, single submitter. Criteria: ICSL Variant Classification Criteria 13 December 2019. Collection method: clinical testing. Allele origin: germline.